The following is an entry in ClinVar:

ClinVar aggregate classification (germline): Conflicting classifications of pathogenicity. Review status: criteria provided, conflicting classifications (1 of 4 stars). 13 submissions from 13 submitters: Uncertain significance (2); Likely benign (8). 3 of the submissions do not count toward it. Last evaluated 2026-07-09.

Conditions:
BRCA2-related cancer predisposition. Identifiers: MedGen CN377758, MONDO:0700269.
Inherited ovarian cancer (without breast cancer).
Hereditary cancer-predisposing syndrome. Also called: Hereditary Cancer Syndrome; Tumor predisposition; Neoplastic Syndromes, Hereditary; Hereditary neoplastic syndrome. Identifiers: Orphanet 140162, MedGen C0027672, MeSH D009386, MONDO:0015356.
Hereditary breast ovarian cancer syndrome. Also called: Breast and ovarian cancer; BRCA1- and BRCA2-Associated Hereditary Breast and Ovarian Cancer; Hereditary breast and ovarian cancer; Hereditary breast and ovarian cancer syndrome (HBOC); Hereditary breast and ovarian cancer syndrome; Hereditary breast and/or ovarian cancer syndrome. Identifiers: Orphanet 145, MedGen C0677776, MeSH D061325, MONDO:0003582. Disease mechanism: loss of function.
Breast-ovarian cancer, familial, susceptibility to, 2 (BROVCA2). Also called: BRCA2 Hereditary Breast and Ovarian Cancer. Identifiers: Orphanet 145, MedGen C2675520, MONDO:0012933, OMIM 612555. Disease mechanism: loss of function.

Allele frequency attached by ClinVar (database versions not stated): gnomAD exomes below 0.00001; gnomAD 0.00002; TOPMed 0.00003.
gnomAD v4.1: 15 of 1,604,820 alleles (0.00093%); highest among the groups gnomAD compares: African/African-American, 0.0041%; no homozygotes.

Submissions (13):

Genomics and Molecular Medicine Service, East Genomic Laboratory Hub, NHS Genomic Medicine Service
Classification: Likely benign for Inherited ovarian cancer (without breast cancer). Last evaluated: 2026-07-09. Review status: criteria provided, single submitter. Criteria: ACGS Best Practice Guidelines for Variant Classification in Rare Disease 2020. Collection method: clinical testing. Allele origin: germline. Affected: yes.
Comment: BP1_Strong,BP5_Moderate

Labcorp Genetics (formerly Invitae), Labcorp
Classification: Likely benign for Hereditary breast ovarian cancer syndrome. Last evaluated: 2025-12-26. Review status: criteria provided, single submitter. Criteria: Invitae Variant Classification Sherloc (09022015). Collection method: clinical testing. Allele origin: germline.

Women's Health and Genetics/Laboratory Corporation of America, LabCorp
Classification: Uncertain significance. Last evaluated: 2025-11-21. Review status: criteria provided, single submitter. Criteria: LabCorp Variant Classification Summary - May 2015. Collection method: clinical testing. Allele origin: germline.
Comment: Variant summary: BRCA2 c.1814T>C (p.Ile605Thr) results in a non-conservative amino acid change in the encoded protein sequence. Algorithms developed to predict the effect of missense changes on protein structure and function are either unavailable or do not agree on the potential impact of this missense change. The variant allele was found at a frequency of 4.2e-06 in 240034 control chromosomes. The available data on variant occurrences in the general population are insufficient to allow any conclusion about variant significance. c.1814T>C has been reported in the literature in a family affected with breast and/or ovarian cancer without strong evidence of causality (Machackova_2019). These report(s) do not provide unequivocal conclusions about association of the variant with BRCA2-related conditions. To our knowledge, no experimental evidence demonstrating an impact on protein function has been reported. The following publications have been ascertained in the context of this evaluation (PMID: 31294896, 22703879, 31409081, 31112341). ClinVar contains an entry for this variant (Variation ID: 91759). Based on the evidence outlined above, the variant was classified as uncertain significance.

All of Us Research Program, National Institutes of Health
Classification: Likely benign for BRCA2-related cancer predisposition. Last evaluated: 2024-03-24. Review status: criteria provided, single submitter. Criteria: ACMG Guidelines, 2015. Collection method: clinical testing. Allele origin: germline. Inheritance: Autosomal dominant inheritance. Observed: 3 variant alleles, 3 heterozygotes.
Comment: This study involves interpretation of variants in research participants for the purpose of population health screening. Participant phenotype was not available at the time of variant classification. Additional details can be found in publication PMID: 35346344, PMCID: PMC8962531

Department of Pathology and Laboratory Medicine, Sinai Health System
Classification: Uncertain significance for BRCA2-related cancer predisposition. Last evaluated: 2023-04-06. Review status: criteria provided, single submitter. Criteria: ACMG Guidelines, 2015. Collection method: clinical testing. Allele origin: germline. Affected: no.

University of Washington Department of Laboratory Medicine, University of Washington
Classification: Likely benign for Hereditary cancer-predisposing syndrome. Last evaluated: 2023-03-23. Review status: criteria provided, single submitter. Criteria: Dines et al. (Genet Med. 2020). Collection method: curation. Allele origin: germline.
Comment: Missense variant in a coldspot region where missense variants are very unlikely to be pathogenic (PMID:31911673).

BRCA2 exon 10 coldspot. Reclassification based on statistical prior probability.

CeGaT Center for Human Genetics Tuebingen
Classification: Likely benign. Last evaluated: 2020-08-01. Review status: criteria provided, single submitter. Criteria: CeGaT Center For Human Genetics Tuebingen Variant Classification Criteria Version 2. Collection method: clinical testing. Allele origin: germline. Affected: yes. Observed: 1 variant allele.

GeneDx
Classification: Likely benign. Last evaluated: 2018-12-07. Review status: criteria provided, single submitter. Criteria: GeneDx Variant Classification Process June 2021. Collection method: clinical testing. Allele origin: germline. Affected: yes.

Color Diagnostics, LLC DBA Color Health
Classification: Likely benign for Hereditary cancer-predisposing syndrome. Last evaluated: 2018-11-04. Review status: criteria provided, single submitter. Criteria: ACMG Guidelines, 2015. Collection method: clinical testing. Allele origin: germline.

Ambry Genetics
Classification: Likely benign for Hereditary cancer-predisposing syndrome. Last evaluated: 2017-09-25. Review status: criteria provided, single submitter. Criteria: Ambry Variant Classification Scheme 2023. Collection method: clinical testing. Allele origin: germline.

Counsyl
Classification: Uncertain significance for Breast-ovarian cancer, familial, susceptibility to, 2. Last evaluated: 2016-03-31. Review status: no assertion criteria provided. Collection method: clinical testing. Allele origin: unknown. Not counted in ClinVar's aggregate classification.

Sharing Clinical Reports Project (SCRP)
Classification: Benign for Breast-ovarian cancer, familial 2. Last evaluated: 2010-10-06. Review status: no assertion criteria provided. Collection method: clinical testing. Allele origin: germline. Not counted in ClinVar's aggregate classification.

Breast Cancer Information Core (BIC) (BRCA2)
Classification: Uncertain significance for Breast-ovarian cancer, familial 2. Last evaluated: 2003-12-23. Review status: no assertion criteria provided. Collection method: clinical testing. Allele origin: germline. Affected: yes. Observed: 1 variant allele. Not counted in ClinVar's aggregate classification.

Literature cited by the submitters: PubMed 31112341 (cited by Women's Health and Genetics/Laboratory Corporation of America, LabCorp); PubMed 31409081 (cited by Women's Health and Genetics/Laboratory Corporation of America, LabCorp); PubMed 31294896 (cited by Women's Health and Genetics/Laboratory Corporation of America, LabCorp).

NM_000059.4(BRCA2):c.1814T>C (p.Ile605Thr)

Gene: BRCA2 (BRCA2 DNA repair associated; plus strand). Cytogenetic location: 13q13.1.
Variant type: single nucleotide variant.
Coding change: c.1814T>C on transcript NM_000059.4 (MANE Select); coding-DNA position 1814, T replaced by C.
Protein change: p.Ile605Thr; replaces isoleucine 605 with threonine.
Molecular consequence: missense variant.
Genome position (GRCh38, 1-based): chr13:32,333,292, T>C. VCF-style: chr13-32333292-T-C. GRCh37 (hg19) VCF-style: chr13-32907429-T-C.
Other names: p.I605T:ATA>ACA; 2042T>C; short protein forms I605T.
Identifiers: ClinVar variation 91759 (VCV000091759.67), dbSNP rs80358468, ClinGen allele CA013415.
Genomic context (GRCh38, chr13:32,333,292, plus strand): 5'-AGAAAACAAATAAGTTTATTTATGCTATACATGATGAAACATCTTATAAAGGAAAAAAAA[T>C]ACCGAAAGACCAAAAATCAGAACTAATTAACTGTTCAGCCCAGTTTGAAGCAAATGCTTT-3'
Protein context (NP_000050.3, residues 595-615): HDETSYKGKK[Ile605Thr]PKDQKSELIN